The following is an entry in ClinVar:

ClinVar aggregate classification (germline): Uncertain significance (1 of 4 stars; one submission).

gnomAD v4.1: 1 of 1,515,498 alleles (0.000066%); no homozygotes.

Submission:

Labcorp Genetics (formerly Invitae), Labcorp
Classification: Uncertain significance. Last evaluated: 2023-04-24. Review status: criteria provided, single submitter. Criteria: Invitae Variant Classification Sherloc (09022015). Collection method: clinical testing. Allele origin: germline.
Comment: This sequence change replaces leucine, which is neutral and non-polar, with isoleucine, which is neutral and non-polar, at codon 869 of the TUBGCP6 protein (p.Leu869Ile). In summary, the available evidence is currently insufficient to determine the role of this variant in disease. Therefore, it has been classified as a Variant of Uncertain Significance. An algorithm developed to predict the effect of missense changes on protein structure and function (PolyPhen-2) suggests that this variant is likely to be tolerated. ClinVar contains an entry for this variant (Variation ID: 1365248). This variant has not been reported in the literature in individuals affected with TUBGCP6-related conditions. This variant is not present in population databases (gnomAD no frequency).

NM_020461.4(TUBGCP6):c.2605C>A (p.Leu869Ile)

Gene: TUBGCP6 (tubulin gamma complex component 6; minus strand). Cytogenetic location: 22q13.33.
Variant type: single nucleotide variant.
Coding change: c.2605C>A on transcript NM_020461.4 (MANE Select); coding-DNA position 2605, C replaced by A.
Protein change: p.Leu869Ile; replaces leucine 869 with isoleucine.
Molecular consequence: missense variant.
Genome position (GRCh38, 1-based): chr22:50,221,754, G>T on the plus strand (C>A on the coding strand, the complement: TUBGCP6 is on the minus strand). VCF-style: chr22-50221754-G-T. GRCh37 (hg19) VCF-style: chr22-50660183-G-T.
Other names: short protein forms L869I.
Identifiers: ClinVar variation 1365248 (VCV001365248.8), dbSNP rs2147180667, ClinGen allele CA412097169.